The following is an entry in ClinVar:

NM_001378454.1(ALMS1):c.8366_8368del (p.Ala2789del)

Gene: ALMS1 (ALMS1 centrosome and basal body associated protein; plus strand). Cytogenetic location: 2p13.1.
Variant type: Deletion.
Coding change: c.8366_8368del on transcript NM_001378454.1 (MANE Select); coding-DNA positions 8366 to 8368, 3 bases deleted (CAG; older notation c.8366_8368delCAG).
Protein change: p.Ala2789del; deletes alanine 2789.
Molecular consequence: inframe deletion.
Genome position (GRCh38, 1-based): chr2:73,490,325-73,490,327, CAG deleted; deleting any 3 consecutive bases within chr2:73,490,323-73,490,327 gives the same sequence; the c. name uses the placement nearest the transcript's 3' end. VCF-style (leftmost placement, unchanged base first): chr2-73490322-TAGC-T. GRCh37 (hg19) VCF-style: chr2-73717449-TAGC-T.
Other names: c.8369_8371del, p.Ala2790del (NM_015120.4); short protein forms A2789del, A2790del.
Identifiers: ClinVar variation 3343566 (VCV003343566.1).
Genomic context (GRCh38, chr2:73,490,322, plus strand): 5'-CCTCTTCCCCTTCATCATTTAAAATGCATAGTAATTCACAAGATAAAGAAGTGACTATTT[TAGC>T]AGAAGGTAGAAGGCAAAGCCAAAAATTACCTGTTGATTTTGAGCGTTCTTTTCAAGAAGA-3'

ClinVar aggregate classification (germline): Uncertain significance (1 of 4 stars; one submission).

Submission:

GeneDx
Classification: Uncertain significance. Last evaluated: 2023-05-22. Review status: criteria provided, single submitter. Criteria: GeneDx Variant Classification Process June 2021. Collection method: clinical testing. Allele origin: germline. Affected: yes.
Comment: In-frame deletion of 1 amino acids in a non-repeat region; Not observed at significant frequency in large population cohorts (gnomAD); Has not been previously published as pathogenic or benign to our knowledge; In silico analysis supports that this variant does not alter protein structure/function